The following is an entry in ClinVar:

NM_020831.6(MRTFA):c.2882T>C (p.Met961Thr)

Gene: MRTFA (myocardin related transcription factor A; minus strand). Cytogenetic location: 22q13.1.
Variant type: single nucleotide variant.
Coding change: c.2882T>C on transcript NM_020831.6 (MANE Select); coding-DNA position 2882, T replaced by C.
Protein change: p.Met961Thr; replaces methionine 961 with threonine.
Molecular consequence: missense variant. On other transcripts: 3 prime UTR variant (1).
Genome position (GRCh38, 1-based): chr22:40,411,604, A>G on the plus strand (T>C on the coding strand, the complement: MRTFA is on the minus strand). VCF-style: chr22-40411604-A-G. GRCh37 (hg19) VCF-style: chr22-40807608-A-G.
Other names: c.2582T>C, p.Met861Thr (NM_001282660.2); c.2732T>C, p.Met911Thr (NM_001282661.3); c.*195T>C (NM_001282662.3); c.2687T>C, p.Met896Thr (NM_001318139.2); short protein forms M861T, M896T, M911T, M961T.
Identifiers: ClinVar variation 3606445 (VCV003606445.2).

ClinVar aggregate classification (germline): Uncertain significance (1 of 4 stars; one submission).

Submission:

Labcorp Genetics (formerly Invitae), Labcorp
Classification: Uncertain significance. Last evaluated: 2024-10-10. Review status: criteria provided, single submitter. Criteria: Invitae Variant Classification Sherloc (09022015). Collection method: clinical testing. Allele origin: germline.
Comment: This sequence change replaces methionine, which is neutral and non-polar, with threonine, which is neutral and polar, at codon 861 of the MKL1 protein (p.Met861Thr). This variant is not present in population databases (gnomAD no frequency). This variant has not been reported in the literature in individuals affected with MKL1-related conditions. An algorithm developed to predict the effect of missense changes on protein structure and function (PolyPhen-2) suggests that this variant is likely to be disruptive. In summary, the available evidence is currently insufficient to determine the role of this variant in disease. Therefore, it has been classified as a Variant of Uncertain Significance.